The following is an entry in ClinVar:

ClinVar aggregate classification (germline): Conflicting classifications of pathogenicity. Review status: criteria provided, conflicting classifications (1 of 4 stars). 15 submissions from 15 submitters: Uncertain significance (11); Likely benign (1). 3 of the submissions do not count toward it. Last evaluated 2026-02-01.

Conditions:
SUCLG1-related disorder. Also called: SUCLG1-related condition.
Mitochondrial DNA depletion syndrome 9 (MTDPS9). Also called: SUCLG1-Related Mitochondrial DNA Depletion Syndrome, Encephalomyopathic Form with Methylmalonic Aciduria. Identifiers: Orphanet 17, MedGen C3151476, MONDO:0009504, OMIM 245400.

Allele frequency attached by ClinVar (database versions not stated): 1000 Genomes Project 0.00060; 1000 Genomes Project 30x 0.00062; gnomAD 0.00094 and 0.00099; TOPMed 0.00096; ESP Exome Variant Server 0.00108; ExAC 0.00139; gnomAD exomes 0.00140 and 0.00142.
gnomAD v4.1: 2,234 of 1,614,146 alleles (0.14%); highest among the groups gnomAD compares: Middle Eastern, 0.21%; 2 homozygotes.

Submissions (15):

Labcorp Genetics (formerly Invitae), Labcorp
Classification: Likely benign for Mitochondrial DNA depletion syndrome 9. Last evaluated: 2026-02-01. Review status: criteria provided, single submitter. Criteria: Invitae Variant Classification Sherloc (09022015). Collection method: clinical testing. Allele origin: germline.

Blueprint Genetics
Classification: Uncertain significance. Last evaluated: 2024-11-26. Review status: criteria provided, single submitter. Criteria: ACMG Guidelines, 2015. Collection method: clinical testing. Allele origin: germline.

Mayo Clinic Laboratories, Mayo Clinic
Classification: Uncertain significance. Last evaluated: 2023-08-17. Review status: criteria provided, single submitter. Criteria: ACMG Guidelines, 2015. Collection method: clinical testing. Allele origin: germline. Observed: 1 variant allele.
Comment: BS1, PP3

CeGaT Center for Human Genetics Tuebingen
Classification: Uncertain significance. Last evaluated: 2023-07-01. Review status: criteria provided, single submitter. Criteria: CeGaT Center For Human Genetics Tuebingen Variant Classification Criteria Version 2. Collection method: clinical testing. Allele origin: germline. Affected: yes. Observed: 1 variant allele.

Revvity Omics, Revvity
Classification: Uncertain significance for Mitochondrial DNA depletion syndrome 9. Last evaluated: 2023-01-29. Review status: criteria provided, single submitter. Criteria: ACMG Guidelines, 2015. Collection method: clinical testing. Allele origin: germline.

Institute for Medical Genetics and Human Genetics, Charité - Universitätsmedizin Berlin
Classification: Uncertain significance for Mitochondrial DNA depletion syndrome 9. Last evaluated: 2022-09-22. Review status: criteria provided, single submitter. Criteria: ACMG Guidelines, 2015. Collection method: clinical testing. Allele origin: germline. Inheritance: Autosomal recessive inheritance. Affected: yes. Observed: 2 homozygotes. Clinical features observed: Hypotonia (HP:0001252), Global developmental delay (HP:0001263), Tetralogy of Fallot (HP:0001636).

Department of Pathology and Laboratory Medicine, Sinai Health System
Classification: Uncertain significance for Mitochondrial DNA depletion syndrome 9. Last evaluated: 2021-07-30. Review status: criteria provided, single submitter. Criteria: ACMG Guidelines, 2015. Collection method: research. Allele origin: germline.

Fulgent Genetics
Classification: Uncertain significance for Mitochondrial DNA depletion syndrome 9. Last evaluated: 2018-10-31. Review status: criteria provided, single submitter. Criteria: ACMG Guidelines, 2015. Collection method: clinical testing. Allele origin: unknown.

Illumina Laboratory Services, Illumina
Classification: Uncertain significance for Mitochondrial DNA depletion syndrome 9. Last evaluated: 2018-01-12. Review status: criteria provided, single submitter. Criteria: ICSL Variant Classification Criteria 13 December 2019. Collection method: clinical testing. Allele origin: germline.

ARUP Laboratories, Molecular Genetics and Genomics, ARUP Laboratories
Classification: Uncertain significance. Last evaluated: 2017-07-07. Review status: criteria provided, single submitter. Criteria: ARUP Molecular Germline Variant Investigation Process. Collection method: clinical testing. Allele origin: germline.
Comment: The p.Gly79Asp variant (rs143030960) has not been reported in the medical literature; although, it is listed in the ClinVar database as a variant of uncertain significance (Variation ID: 203970). It is listed in the Genome Aggregation Database (gnomAD) browser with a frequency in Ashkenazi Jewish populations of 0.67% (identified in 68 out of 10,150 chromosomes). The glycine at codon 79 is highly conserved considering 11 species up to Bakerâ€™s yeast (Alamut software v2.9), and computational analyses suggest this variant has a significant effect on SUCLG1 protein structure/function (SIFT: damaging, PolyPhen2: probably damaging, and Mutation Taster: disease causing). However, based on the available information, the clinical significance of the p.Gly79Asp variant cannot be determined with certainty.

Center for Pediatric Genomic Medicine, Children's Mercy Hospital and Clinics
Classification: Uncertain significance. Last evaluated: 2016-12-01. Review status: criteria provided, single submitter. Criteria: ACMG Guidelines, 2015. Collection method: clinical testing. Allele origin: germline.
ClinVar note: Converted during submission from Uncertain Significance to Uncertain significance.

Genomic Diagnostic Laboratory, Division of Genomic Diagnostics, Children's Hospital of Philadelphia
Classification: Uncertain significance. Last evaluated: 2015-10-16. Review status: criteria provided, single submitter. Criteria: DGD Variant Analysis Guidelines. Collection method: clinical testing. Allele origin: unknown.

PreventionGenetics, part of Exact Sciences
Classification: Likely benign for SUCLG1-related condition. Last evaluated: 2020-03-23. Review status: no assertion criteria provided. Collection method: clinical testing. Allele origin: germline. Not counted in ClinVar's aggregate classification.
Comment: This variant is classified as likely benign based on ACMG/AMP sequence variant interpretation guidelines (Richards et al. 2015 PMID: 25741868, with internal and published modifications).

Clinical Genetics DNA and cytogenetics Diagnostics Lab, Erasmus MC, Erasmus Medical Center
Classification: Uncertain significance. Review status: no assertion criteria provided. Collection method: clinical testing. Allele origin: germline. Affected: yes. Study: VKGL Data-share Consensus. Not counted in ClinVar's aggregate classification.

Diagnostic Laboratory, Department of Genetics, University Medical Center Groningen
Classification: Uncertain significance. Review status: no assertion criteria provided. Collection method: clinical testing. Allele origin: germline. Affected: yes. Study: VKGL Data-share Consensus. Not counted in ClinVar's aggregate classification.

Literature cited by the submitters: PubMed 29458409 (cited by Mayo Clinic Laboratories, Mayo Clinic); PubMed 34023347 (cited by Mayo Clinic Laboratories, Mayo Clinic).

NM_003849.4(SUCLG1):c.236G>A (p.Gly79Asp)

Gene: SUCLG1 (succinate-CoA ligase GDP/ADP-forming subunit alpha; minus strand). Cytogenetic location: 2p11.2.
Variant type: single nucleotide variant.
Coding change: c.236G>A on transcript NM_003849.4 (MANE Select); coding-DNA position 236, G replaced by A.
Protein change: p.Gly79Asp; replaces glycine 79 with aspartic acid.
Molecular consequence: missense variant.
Genome position (GRCh38, 1-based): chr2:84,443,366, C>T on the plus strand (G>A on the coding strand, the complement: SUCLG1 is on the minus strand). VCF-style: chr2-84443366-C-T. GRCh37 (hg19) VCF-style: chr2-84670490-C-T.
Other names: short protein forms G79D.
Identifiers: ClinVar variation 203970 (VCV000203970.65), dbSNP rs143030960, ClinGen allele CA313048.